The following is an entry in ClinVar:

ClinVar aggregate classification (germline): Uncertain significance (1 of 4 stars; one submission).

Submission:

Ambry Genetics
Classification: Uncertain significance. Last evaluated: 2021-08-13. Review status: criteria provided, single submitter. Criteria: Ambry Variant Classification Scheme 2023. Collection method: clinical testing. Allele origin: germline.
Comment: The p.L1338P variant (also known as c.4013T>C), located in coding exon 4 of the ALPK2 gene, results from a T to C substitution at nucleotide position 4013. The leucine at codon 1338 is replaced by proline, an amino acid with similar properties. This amino acid position is conserved. In addition, this alteration is predicted to be tolerated by in silico analysis. Since supporting evidence is limited at this time, the clinical significance of this alteration remains unclear.

NM_052947.4(ALPK2):c.4013T>C (p.Leu1338Pro)

Genes: ALPK2 (alpha kinase 2; minus strand), LOC126862764 (BRD4-independent group 4 enhancer GRCh37_chr18:56202574-56203773; plus strand). Cytogenetic location: 18q21.31.
Variant type: single nucleotide variant.
Coding change: c.4013T>C on transcript NM_052947.4 (MANE Select); coding-DNA position 4013, T replaced by C.
Protein change: p.Leu1338Pro; replaces leucine 1338 with proline.
Molecular consequence: missense variant.
Genome position (GRCh38, 1-based): chr18:58,536,174, A>G on the plus strand (T>C on the coding strand, the complement: ALPK2 is on the minus strand). VCF-style: chr18-58536174-A-G. GRCh37 (hg19) VCF-style: chr18-56203406-A-G.
Other names: short protein forms L1338P.
Identifiers: ClinVar variation 1737041 (VCV001737041.2), dbSNP rs2518875575, ClinGen allele CA402564758.